The following is an entry in ClinVar:

ClinVar aggregate classification (germline): Pathogenic (1 of 4 stars; one submission).

Conditions:
Inborn genetic diseases. Identifiers: MedGen C0950123, MeSH D030342.

Submission:

Ambry Genetics
Classification: Pathogenic for Inborn genetic diseases. Last evaluated: 2022-08-11. Review status: criteria provided, single submitter. Criteria: Ambry Variant Classification Scheme 2023. Collection method: clinical testing. Allele origin: germline.
Comment: The c.2436delA (p.R814Efs*7) alteration, located in exon 19 (coding exon 19) of the SCAPER gene, consists of a deletion of one nucleotide at position 2436, causing a translational frameshift with a predicted alternate stop codon after 7 amino acids. This alteration is expected to result in loss of function by premature protein truncation or nonsense-mediated mRNA decay. This variant was not reported in population-based cohorts in the Genome Aggregation Database (gnomAD). Based on the available evidence, this alteration is classified as pathogenic.

NM_020843.4(SCAPER):c.2436del (p.Arg814fs)

Gene: SCAPER (S-phase cyclin A associated protein in the ER; minus strand). Cytogenetic location: 15q24.3.
Variant type: Deletion.
Coding change: c.2436del on transcript NM_020843.4 (MANE Select); coding-DNA position 2436, one base deleted (A; older notation c.2436delA).
Protein change: p.Arg814fs; shifts the reading frame from arginine 814.
Molecular consequence: frameshift variant. On other transcripts: non-coding transcript variant (1).
Genome position (GRCh38, 1-based): chr15:76,701,830, T deleted on the plus strand (A on the coding strand, the reverse complement: SCAPER is on the minus strand); the first of 3 consecutive T bases (chr15:76,701,830-76,701,832); deleting any one gives the same sequence. VCF-style (leftmost placement, unchanged base first): chr15-76701829-CT-C. GRCh37 (hg19) VCF-style: chr15-76994170-CT-C.
Other names: c.1698del, p.Arg568fs (NM_001145923.2); c.2454del, p.Arg820fs (NM_001353009.2); c.2034del, p.Arg680fs (NM_001353010.2, NM_001353012.2); c.2052del, p.Arg686fs (NM_001353011.2); short protein forms R814fs, R820fs, R680fs, R686fs, R568fs.
Identifiers: ClinVar variation 2300926 (VCV002300926.2), dbSNP rs2545113885, ClinGen allele CA2580090020.